The following is an entry in ClinVar:

ClinVar aggregate classification (germline): Likely benign. Review status: criteria provided, multiple submitters, no conflicts (2 of 4 stars). 3 submissions from 3 submitters: Likely benign (3). Last evaluated 2023-03-01.

Allele frequency attached by ClinVar (database versions not stated): 1000 Genomes Project 0.00020; 1000 Genomes Project 30x 0.00031; gnomAD 0.00051 and 0.00055; TOPMed 0.00060; gnomAD exomes 0.00075; ExAC 0.00102.
gnomAD v4.1: 1,358 of 1,549,486 alleles (0.088%); highest among the groups gnomAD compares: Middle Eastern, 0.43%; 1 homozygote.

Submissions (3):

CeGaT Center for Human Genetics Tuebingen
Classification: Likely benign. Last evaluated: 2023-03-01. Review status: criteria provided, single submitter. Criteria: CeGaT Center For Human Genetics Tuebingen Variant Classification Criteria Version 2. Collection method: clinical testing. Allele origin: germline. Affected: yes. Observed: 1 variant allele.
Comment: DNAH14: BP4, BP7

Laboratory for Molecular Medicine, Mass General Brigham Personalized Medicine
Classification: Likely benign. Last evaluated: 2016-03-28. Review status: criteria provided, single submitter. Criteria: LMM Criteria. Collection method: clinical testing. Allele origin: germline.
Comment: Variant identified in a genome or exome case(s) and assessed due to predicted null impact of the variant or pathogenic assertions in the literature or databases. Disclaimer: This variant has not undergone full assessment. The following are preliminary notes: Silent variant not in splice consensus

Breakthrough Genomics
Classification: Likely benign. Review status: criteria provided, single submitter. Criteria: ACMG Guidelines, 2015. Collection method: not provided. Allele origin: germline. Inheritance: Unknown mechanism. Affected: yes.

NM_001367479.1(DNAH14):c.7830T>C (p.Asp2610=)

Gene: DNAH14 (dynein axonemal heavy chain 14; plus strand). Cytogenetic location: 1q42.12.
Variant type: single nucleotide variant.
Coding change: c.7830T>C on transcript NM_001367479.1 (MANE Select); coding-DNA position 7830, T replaced by C.
Protein change: p.Asp2610=; no amino-acid change (aspartic acid 2610 retained).
Molecular consequence: synonymous variant.
Genome position (GRCh38, 1-based): chr1:225,272,064, T>C. VCF-style: chr1-225272064-T-C. GRCh37 (hg19) VCF-style: chr1-225459766-T-C.
Identifiers: ClinVar variation 402667 (VCV000402667.29), dbSNP rs560792252, ClinGen allele CA1416364.